The following is an entry in ClinVar:

NM_004064.5(CDKN1B):c.202_205del (p.Lys68fs)

Gene: CDKN1B (cyclin dependent kinase inhibitor 1B; plus strand). Cytogenetic location: 12p13.1.
Variant type: Deletion.
Coding change: c.202_205del on transcript NM_004064.5 (MANE Select); coding-DNA positions 202 to 205, 4 bases deleted (AAAC; older notation c.202_205delAAAC).
Protein change: p.Lys68fs; shifts the reading frame from lysine 68.
Molecular consequence: frameshift variant.
Genome position (GRCh38, 1-based): chr12:12,718,041-12,718,044, AAAC deleted; deleting any 4 consecutive bases within chr12:12,718,039-12,718,044 gives the same sequence; the c. name uses the placement nearest the transcript's 3' end. VCF-style (leftmost placement, unchanged base first): chr12-12718038-CACAA-C. GRCh37 (hg19) VCF-style: chr12-12870972-CACAA-C.
Other names: short protein forms K68fs.
Identifiers: ClinVar variation 4824225 (VCV004824225.1).

ClinVar aggregate classification (germline): Pathogenic (1 of 4 stars; one submission).

Conditions:
Hereditary cancer-predisposing syndrome. Also called: Neoplastic Syndromes, Hereditary; Hereditary neoplastic syndrome; Tumor predisposition; Hereditary Cancer Syndrome. Identifiers: Orphanet 140162, MedGen C0027672, MeSH D009386, MONDO:0015356.

Submission:

Ambry Genetics
Classification: Pathogenic for Hereditary cancer-predisposing syndrome. Last evaluated: 2026-01-27. Review status: criteria provided, single submitter. Criteria: Ambry Variant Classification Scheme 2023. Collection method: clinical testing. Allele origin: germline.
Comment: The c.202_205delAAAC pathogenic mutation, located in coding exon 1 of the CDKN1B gene, results from a deletion of 4 nucleotides at nucleotide positions 202 to 205, causing a translational frameshift with a predicted alternate stop codon (p.K68Pfs*2). This variant is considered to be rare based on population cohorts in the Genome Aggregation Database (gnomAD). This variant is expected to result in loss of function by premature protein truncation or nonsense-mediated mRNA decay. As such, this variant is interpreted as a disease-causing mutation.